The following is an entry in ClinVar:

NM_000044.6(AR):c.2137C>A (p.Leu713Ile)

Gene: AR (androgen receptor; plus strand). Cytogenetic location: Xq12.
Variant type: single nucleotide variant.
Coding change: c.2137C>A on transcript NM_000044.6 (MANE Select); coding-DNA position 2137, C replaced by A.
Protein change: p.Leu713Ile; replaces leucine 713 with isoleucine.
Molecular consequence: missense variant.
Genome position (GRCh38, 1-based): chrX:67,711,653, C>A. VCF-style: chrX-67711653-C-A. GRCh37 (hg19) VCF-style: chrX-66931495-C-A.
Other names: c.541C>A, p.Leu181Ile (NM_001011645.3); short protein forms L713I, L181I.
Identifiers: ClinVar variation 391803 (VCV000391803.2), dbSNP rs137852595, ClinGen allele CA16608973.

ClinVar aggregate classification (germline): Likely pathogenic (1 of 4 stars; one submission).

Submission:

GeneDx
Classification: Likely pathogenic. Last evaluated: 2016-12-29. Review status: criteria provided, single submitter. Criteria: GeneDx Variant Classification (06012015). Collection method: clinical testing. Allele origin: germline. Affected: yes.
Comment: The L713I variant in the AR gene has not been reported previously as a pathogenic variant, nor as a benign variant, to our knowledge. The L713I variant was not observed in approximately 6,500 individuals of European and African American ancestry in the NHLBI Exome Sequencing Project, indicating it is not a common benign variant in these populations. The L713I variant is a conservative amino acid substitution, which is not likely to impact secondary protein structure as these residues share similar properties. This substitution occurs at a position within the ligand-binding region that is conserved across species. In silico analysis is inconsistent in its predictions as to whether or not the variant is damaging to the protein structure/function. Missense variants at this residue (L713V, L713F) and in nearby residues (L708R, G709E, G709A, G709V, E710K, R711T, Q712E) have been reported in the Human Gene Mutation Database in association with androgen insensitivity syndrome (Stenson et al., 2014), supporting the functional importance of this region of the protein. Based on the available evidence, we interpret L713I as a strong candidate for a pathogenic variant; however, the possibility it may be a rare benign variant cannot be excluded.